The following is an entry in ClinVar:

ClinVar aggregate classification (germline): Uncertain significance (1 of 4 stars; one submission).

Conditions:
Intellectual developmental disorder, autosomal recessive 43. Also called: Intellectual disability, autosomal recessive 43. Identifiers: Orphanet 88616, MedGen C4014386, MONDO:0014354, OMIM 615817.

Submission:

Baylor Genetics
Classification: Uncertain significance for Intellectual developmental disorder, autosomal recessive 43. Last evaluated: 2020-02-21. Review status: criteria provided, single submitter. Criteria: ACMG Guidelines, 2015. Collection method: clinical testing. Allele origin: unknown. Affected: yes.
Comment: This variant was determined to be of uncertain significance according to ACMG Guidelines, 2015 [PMID:25741868].

NM_015275.3(WASHC4):c.971T>C (p.Leu324Ser)

Gene: WASHC4 (WASH complex subunit 4; plus strand). Cytogenetic location: 12q23.3.
Variant type: single nucleotide variant.
Coding change: c.971T>C on transcript NM_015275.3 (MANE Select); coding-DNA position 971, T replaced by C.
Protein change: p.Leu324Ser; replaces leucine 324 with serine.
Molecular consequence: missense variant.
Genome position (GRCh38, 1-based): chr12:105,126,295, T>C. VCF-style: chr12-105126295-T-C. GRCh37 (hg19) VCF-style: chr12-105520073-T-C.
Other names: c.971T>C, p.Leu324Ser (NM_001293640.2); short protein forms L324S.
Identifiers: ClinVar variation 1029530 (VCV001029530.1), dbSNP rs1881275367, ClinGen allele CA386361607.
Genomic context (GRCh38, chr12:105,126,295, plus strand): 5'-GAGAACCTTCTGAAATTGACCAGAGAGACAAGTATGTTGGAATTTGTGGACTCTTTGTAT[T>C]GCACTTTCAGATTTTTCGAACTATTGATAAAAAGTTTTATAAGTCTTTATTGGACATTTG-3'
Protein context (NP_056090.1, residues 314-334): KYVGICGLFV[Leu324Ser]HFQIFRTIDK